The following is an entry in ClinVar:

NM_006267.5(RANBP2):c.6592G>T (p.Gly2198Cys)

Gene: RANBP2 (RAN binding protein 2; plus strand). Cytogenetic location: 2q13.
Variant type: single nucleotide variant.
Coding change: c.6592G>T on transcript NM_006267.5 (MANE Select); coding-DNA position 6592, G replaced by T.
Protein change: p.Gly2198Cys; replaces glycine 2198 with cysteine.
Molecular consequence: missense variant.
Genome position (GRCh38, 1-based): chr2:108,767,131, G>T. VCF-style: chr2-108767131-G-T. GRCh37 (hg19) VCF-style: chr2-109383587-G-T.
Other names: short protein forms G2198C.
Identifiers: ClinVar variation 647855 (VCV000647855.11), dbSNP rs776975475, ClinGen allele CA1823451.

ClinVar aggregate classification (germline): Uncertain significance (1 of 4 stars; one submission).

Conditions:
Familial acute necrotizing encephalopathy (IIAE3). Also called: Susceptibility to Acute Necrotizing Encephalopathy 1; ENCEPHALOPATHY, ACUTE, INFECTION-INDUCED, SUSCEPTIBILITY TO, 3. Identifiers: Orphanet 88619, MedGen C2675556, MONDO:0011953, OMIM 608033.

Allele frequency attached by ClinVar (database versions not stated): gnomAD exomes below 0.00001 and 0.00001; ExAC 0.00001.
gnomAD v4.1: 4 of 1,611,906 alleles (0.00025%); highest among the groups gnomAD compares: Admixed American, 0.005%; no homozygotes.

Submission:

Labcorp Genetics (formerly Invitae), Labcorp
Classification: Uncertain significance for Familial acute necrotizing encephalopathy. Last evaluated: 2024-02-24. Review status: criteria provided, single submitter. Criteria: Invitae Variant Classification Sherloc (09022015). Collection method: clinical testing. Allele origin: germline.
Comment: This sequence change replaces glycine, which is neutral and non-polar, with cysteine, which is neutral and slightly polar, at codon 2198 of the RANBP2 protein (p.Gly2198Cys). This variant is present in population databases (rs776975475, gnomAD 0.0009%). This variant has not been reported in the literature in individuals affected with RANBP2-related conditions. ClinVar contains an entry for this variant (Variation ID: 647855). Advanced modeling of protein sequence and biophysical properties (such as structural, functional, and spatial information, amino acid conservation, physicochemical variation, residue mobility, and thermodynamic stability) performed at Invitae indicates that this missense variant is not expected to disrupt RANBP2 protein function with a negative predictive value of 80%. In summary, the available evidence is currently insufficient to determine the role of this variant in disease. Therefore, it has been classified as a Variant of Uncertain Significance.